The following is an entry in ClinVar:

ClinVar aggregate classification (germline): Uncertain significance (1 of 4 stars; one submission).

Conditions:
Inflammatory skin and bowel disease, neonatal, 1. Identifiers: Orphanet 294023, MedGen C3280501, MONDO:0013693, OMIM 614328.

Allele frequency attached by ClinVar (database versions not stated): TOPMed 0.00001; ExAC 0.00002; gnomAD 0.00002.
gnomAD v4.1: 18 of 1,613,948 alleles (0.0011%); highest among the groups gnomAD compares: Middle Eastern, 0.016%; no homozygotes.

Submission:

Labcorp Genetics (formerly Invitae), Labcorp
Classification: Uncertain significance for Inflammatory skin and bowel disease, neonatal, 1. Last evaluated: 2024-01-22. Review status: criteria provided, single submitter. Criteria: Invitae Variant Classification Sherloc (09022015). Collection method: clinical testing. Allele origin: germline.
Comment: This sequence change replaces aspartic acid, which is acidic and polar, with asparagine, which is neutral and polar, at codon 616 of the ADAM17 protein (p.Asp616Asn). This variant is present in population databases (rs756129840, gnomAD 0.01%). This variant has not been reported in the literature in individuals affected with ADAM17-related conditions. ClinVar contains an entry for this variant (Variation ID: 2143244). Algorithms developed to predict the effect of missense changes on protein structure and function output the following: SIFT: "Not Available"; PolyPhen-2: "Benign"; Align-GVGD: "Not Available". The asparagine amino acid residue is found in multiple mammalian species, which suggests that this missense change does not adversely affect protein function. Experimental studies have shown that this missense change affects ADAM17 function (PMID: 31060243). In summary, the available evidence is currently insufficient to determine the role of this variant in disease. Therefore, it has been classified as a Variant of Uncertain Significance.

Literature cited by the submitters: PubMed 31060243.

NM_003183.6(ADAM17):c.1846G>A (p.Asp616Asn)

Genes: ADAM17 (ADAM metallopeptidase domain 17; minus strand), IAH1 (isoamyl acetate hydrolyzing esterase 1 (putative); plus strand). Cytogenetic location: 2p25.1.
Variant type: single nucleotide variant.
Coding change: c.1846G>A on transcript NM_003183.6 (MANE Select); coding-DNA position 1846, G replaced by A.
Protein change: p.Asp616Asn; replaces aspartic acid 616 with asparagine.
Molecular consequence: missense variant.
Genome position (GRCh38, 1-based): chr2:9,494,705, C>T on the plus strand (G>A on the coding strand, the complement: ADAM17 is on the minus strand). VCF-style: chr2-9494705-C-T. GRCh37 (hg19) VCF-style: chr2-9634834-C-T.
Other names: c.1186G>A, p.Asp396Asn (NM_001382777.1); c.949G>A, p.Asp317Asn (NM_001382778.1); short protein forms D317N, D396N, D616N.
Identifiers: ClinVar variation 2143244 (VCV002143244.4), dbSNP rs756129840, ClinGen allele CA1523391.
Genomic context (GRCh38, chr2:9,494,705, plus strand): 5'-CACAAAATCCTACTGTACAGGGCTTTCCTTTCCTCAAAAATAAGTTCTTTTGTTCAGCAT[C>T]GACATAGGGCACACAGCGGCCAGAAAGGTCCCTGCAGCACACCTTGCAGGAGTTGTCAGT-3'
Protein context (NP_003174.3, residues 606-626): DLSGRCVPYV[Asp616Asn]AEQKNLFLRK